The following is an entry in ClinVar:

NM_016222.4(DDX41):c.962C>A (p.Pro321Gln)

Gene: DDX41 (DEAD-box helicase 41; minus strand). Cytogenetic location: 5q35.3.
Variant type: single nucleotide variant.
Coding change: c.962C>A on transcript NM_016222.4 (MANE Select); coding-DNA position 962, C replaced by A.
Protein change: p.Pro321Gln; replaces proline 321 with glutamine.
Molecular consequence: missense variant.
Genome position (GRCh38, 1-based): chr5:177,513,821, G>T on the plus strand (C>A on the coding strand, the complement: DDX41 is on the minus strand). VCF-style: chr5-177513821-G-T. GRCh37 (hg19) VCF-style: chr5-176940822-G-T.
Other names: c.584C>A, p.Pro195Gln (NM_001321732.2, NM_001321830.2); short protein forms P321Q, P195Q.
Identifiers: ClinVar variation 4238814 (VCV004238814.1).
Genomic context (GRCh38, chr5:177,513,821, plus strand): 5'-AGGTAGCGACAGATGTCTAGGCTGACCATCTTCTTCTGCAGCAAATCCATGAGGCGCCCC[G>T]GGGTGGCCACCATCATGTGTACACCGCTGGGGACCAAGGAGAGACCCTGAGGTTGGGGCC-3'
Protein context (NP_057306.2, residues 311-331): RHGVHMMVAT[Pro321Gln]GRLMDLLQKK

ClinVar aggregate classification (germline): Uncertain significance (1 of 4 stars; one submission).

Conditions:
Inborn genetic diseases. Identifiers: MedGen C0950123, MeSH D030342.

Submission:

Ambry Genetics
Classification: Uncertain significance for Inborn genetic diseases. Last evaluated: 2025-08-23. Review status: criteria provided, single submitter. Criteria: Ambry Variant Classification Scheme 2023. Collection method: clinical testing. Allele origin: germline.
Comment: The p.P321Q variant (also known as c.962C>A), located in coding exon 10 of the DDX41 gene, results from a C to A substitution at nucleotide position 962. The proline at codon 321 is replaced by glutamine, an amino acid with similar properties. This amino acid position is conserved. In addition, this alteration is predicted to be deleterious by in silico analysis. Based on the available evidence, the clinical significance of this variant remains unclear.